The following is an entry in ClinVar:

NM_000593.6(TAP1):c.955A>C (p.Ile319Leu)

Gene: TAP1 (transporter 1, ATP binding cassette subfamily B member; minus strand). Cytogenetic location: 6p21.32.
Variant type: single nucleotide variant.
Coding change: c.955A>C on transcript NM_000593.6 (MANE Select); coding-DNA position 955, A replaced by C.
Protein change: p.Ile319Leu; replaces isoleucine 319 with leucine.
Molecular consequence: missense variant.
Genome position (GRCh38, 1-based): chr6:32,851,039, T>G on the plus strand (A>C on the coding strand, the complement: TAP1 is on the minus strand). VCF-style: chr6-32851039-T-G. GRCh37 (hg19) VCF-style: chr6-32818816-T-G.
Other names: c.352A>C, p.Ile118Leu (NM_001292022.2); short protein forms I118L, I319L.
Identifiers: ClinVar variation 1328017 (VCV001328017.9), dbSNP rs748668600, ClinGen allele CA3746890.
Genomic context (GRCh38, chr6:32,851,039, plus strand): 5'-AAAGCAGAGGCAGGGTGATCAGGGTGACCATGGTGAGGGACACTGATCCCCAGAGCATGA[T>G]CCCCAAGAGACATAGGCCTCGCACCAGGTACCACAGAAATAAGCTCAGATTCTCACTCAG-3'
Protein context (NP_000584.3, residues 309-329): YLVRGLCLLG[Ile319Leu]MLWGSVSLTM

ClinVar aggregate classification (germline): Uncertain significance. Review status: criteria provided, single submitter (1 of 4 stars). 3 submissions from 3 submitters: Uncertain significance (1). 2 of the submissions do not count toward it. Last evaluated 2021-03-24.

Conditions:
MHC class I deficiency. Identifiers: Orphanet 34592, MedGen C6024714, MONDO:0011476.

Allele frequency attached by ClinVar (database versions not stated): ExAC 0.00001.
gnomAD v4.1: 8 of 1,612,728 alleles (0.0005%); highest among the groups gnomAD compares: Non-Finnish European, 0.00068%; no homozygotes.

Submissions (3):

Labcorp Genetics (formerly Invitae), Labcorp
Classification: Uncertain significance for MHC class I deficiency 1. Last evaluated: 2021-03-24. Review status: criteria provided, single submitter. Criteria: Invitae Variant Classification Sherloc (09022015). Collection method: clinical testing. Allele origin: germline.
Comment: In summary, the available evidence is currently insufficient to determine the role of this variant in disease. Therefore, it has been classified as a Variant of Uncertain Significance. This sequence change replaces isoleucine with leucine at codon 379 of the TAP1 protein (p.Ile379Leu). The isoleucine residue is weakly conserved and there is a small physicochemical difference between isoleucine and leucine. This variant is present in population databases (rs748668600, ExAC 0.002%). This variant has not been reported in the literature in individuals with TAP1-related conditions. Algorithms developed to predict the effect of missense changes on protein structure and function output the following: SIFT: "Tolerated"; PolyPhen-2: "Benign"; Align-GVGD: "Class C0". The leucine amino acid residue is found in multiple mammalian species, suggesting that this missense change does not adversely affect protein function. These predictions have not been confirmed by published functional studies and their clinical significance is uncertain.

Clinical Genetics DNA and cytogenetics Diagnostics Lab, Erasmus MC, Erasmus Medical Center
Classification: Likely benign. Review status: no assertion criteria provided. Collection method: clinical testing. Allele origin: germline. Affected: yes. Study: VKGL Data-share Consensus. Not counted in ClinVar's aggregate classification.

Genome Diagnostics Laboratory, University Medical Center Utrecht
Classification: Likely benign. Review status: no assertion criteria provided. Collection method: clinical testing. Allele origin: germline. Affected: yes. Study: VKGL Data-share Consensus. Not counted in ClinVar's aggregate classification.